The following is an entry in ClinVar:

NM_173598.6(KSR2):c.1590C>T (p.Ser530=)

Gene: KSR2 (kinase suppressor of ras 2; minus strand). Cytogenetic location: 12q24.22.
Variant type: single nucleotide variant.
Coding change: c.1590C>T on transcript NM_173598.6 (MANE Select); coding-DNA position 1590, C replaced by T.
Protein change: p.Ser530=; no amino-acid change (serine 530 retained).
Molecular consequence: synonymous variant.
Genome position (GRCh38, 1-based): chr12:117,539,816, G>A on the plus strand (C>T on the coding strand, the complement: KSR2 is on the minus strand). VCF-style: chr12-117539816-G-A. GRCh37 (hg19) VCF-style: chr12-117977621-G-A.
Other names: c.1503C>T (NM_173598.4).
Identifiers: ClinVar variation 1624252 (VCV001624252.10), dbSNP rs375430100, ClinGen allele CA6815986.

ClinVar aggregate classification (germline): Likely benign. Review status: criteria provided, single submitter (1 of 4 stars). 2 submissions from 2 submitters: Likely benign (1). 1 of the submissions does not count toward it. Last evaluated 2025-11-12.

Conditions:
KSR2-related disorder. Also called: KSR2-related condition.

Allele frequency attached by ClinVar (database versions not stated): 1000 Genomes Project 30x 0.00031; 1000 Genomes Project 0.00040; gnomAD exomes 0.00085 and 0.00131; ExAC 0.00101; ESP Exome Variant Server 0.00110.
gnomAD v4.1: 1,972 of 1,610,152 alleles (0.12%); highest among the groups gnomAD compares: Non-Finnish European, 0.16%; 2 homozygotes.

Submissions (2):

Labcorp Genetics (formerly Invitae), Labcorp
Classification: Likely benign. Last evaluated: 2025-11-12. Review status: criteria provided, single submitter. Criteria: Invitae Variant Classification Sherloc (09022015). Collection method: clinical testing. Allele origin: germline.

PreventionGenetics, part of Exact Sciences
Classification: Likely benign for KSR2-related condition. Last evaluated: 2019-09-19. Review status: no assertion criteria provided. Collection method: clinical testing. Allele origin: germline. Not counted in ClinVar's aggregate classification.
Comment: This variant is classified as likely benign based on ACMG/AMP sequence variant interpretation guidelines (Richards et al. 2015 PMID: 25741868, with internal and published modifications).